The following is an entry in ClinVar:

ClinVar aggregate classification (germline): Uncertain significance (1 of 4 stars; one submission).

Conditions:
Hereditary cancer-predisposing syndrome. Also called: Tumor predisposition; Hereditary Cancer Syndrome; Hereditary neoplastic syndrome; Neoplastic Syndromes, Hereditary. Identifiers: Orphanet 140162, MedGen C0027672, MeSH D009386, MONDO:0015356.

Submission:

Ambry Genetics
Classification: Uncertain significance for Hereditary cancer-predisposing syndrome. Last evaluated: 2025-11-19. Review status: criteria provided, single submitter. Criteria: Ambry Variant Classification Scheme 2023. Collection method: clinical testing. Allele origin: germline.
Comment: The p.S132T variant (also known as c.394T>A), located in coding exon 3 of the XRCC2 gene, results from a T to A substitution at nucleotide position 394. The serine at codon 132 is replaced by threonine, an amino acid with similar properties. This amino acid position is conserved. In addition, this alteration is predicted to be tolerated by in silico analysis. Based on the available evidence, the clinical significance of this variant remains unclear.

NM_005431.2(XRCC2):c.394T>A (p.Ser132Thr)

Gene: XRCC2 (X-ray repair cross complementing 2; minus strand). Cytogenetic location: 7q36.1.
Variant type: single nucleotide variant.
Coding change: c.394T>A on transcript NM_005431.2 (MANE Select); coding-DNA position 394, T replaced by A.
Protein change: p.Ser132Thr; replaces serine 132 with threonine.
Molecular consequence: missense variant.
Genome position (GRCh38, 1-based): chr7:152,649,091, A>T on the plus strand (T>A on the coding strand, the complement: XRCC2 is on the minus strand). VCF-style: chr7-152649091-A-T. GRCh37 (hg19) VCF-style: chr7-152346176-A-T.
Other names: short protein forms S132T.
Identifiers: ClinVar variation 4558632 (VCV004558632.1).